The following is an entry in ClinVar:

NM_001429.4(EP300):c.94+9C>T

Genes: EP300 (E1A binding protein p300; plus strand), LOC130067530 (ATAC-STARR-seq lymphoblastoid active region 19106; plus strand). Cytogenetic location: 22q13.2.
Variant type: single nucleotide variant.
Coding change: c.94+9C>T on transcript NM_001429.4 (MANE Select); 9 bases into the intron after coding-DNA position 94, C replaced by T.
Molecular consequence: intron variant.
Genome position (GRCh38, 1-based): chr22:41,093,107, C>T. VCF-style: chr22-41093107-C-T. GRCh37 (hg19) VCF-style: chr22-41489111-C-T.
Other names: c.94+9C>T (NM_001362843.2).
Identifiers: ClinVar variation 3033504 (VCV003033504.2), dbSNP rs916422444, ClinGen allele CA324525173.

ClinVar aggregate classification (germline): Likely benign (0 of 4 stars; one submission).

Conditions:
EP300-related disorder. Also called: EP300-related condition; EP300-related disorders.

Allele frequency attached by ClinVar (database versions not stated): gnomAD exomes 0.00001; TOPMed 0.00002.
gnomAD v4.1: 19 of 1,613,516 alleles (0.0012%); highest among the groups gnomAD compares: Non-Finnish European, 0.0015%; no homozygotes.

Submission:

PreventionGenetics, part of Exact Sciences
Classification: Likely benign for EP300-related condition. Last evaluated: 2024-01-30. Review status: no assertion criteria provided. Collection method: clinical testing. Allele origin: germline.
Comment: This variant is classified as likely benign based on ACMG/AMP sequence variant interpretation guidelines (Richards et al. 2015 PMID: 25741868, with internal and published modifications).